The following is an entry in ClinVar:

NM_000018.4(ACADVL):c.1803G>A (p.Met601Ile)

Gene: ACADVL (acyl-CoA dehydrogenase very long chain; plus strand). Cytogenetic location: 17p13.1.
Variant type: single nucleotide variant.
Coding change: c.1803G>A on transcript NM_000018.4 (MANE Select); coding-DNA position 1803, G replaced by A.
Protein change: p.Met601Ile; replaces methionine 601 with isoleucine.
Molecular consequence: missense variant.
Genome position (GRCh38, 1-based): chr17:7,224,860, G>A. VCF-style: chr17-7224860-G-A. GRCh37 (hg19) VCF-style: chr17-7128179-G-A.
Other names: c.1737G>A, p.Met579Ile (NM_001033859.3); c.1872G>A, p.Met624Ile (NM_001270447.2); c.1575G>A, p.Met525Ile (NM_001270448.2); short protein forms M601I, M579I, M525I, M624I.
Identifiers: ClinVar variation 373437 (VCV000373437.44), dbSNP rs201462718, ClinGen allele CA8338273.

ClinVar aggregate classification (germline): Uncertain significance. Review status: criteria provided, multiple submitters, no conflicts (2 of 4 stars). 8 submissions from 8 submitters: Uncertain significance (7). 1 of the submissions does not count toward it. Last evaluated 2024-08-29.

Conditions:
Very long chain acyl-CoA dehydrogenase deficiency (ACADVLD). Also called: VLCAD Deficiency; Very Long-Chain Acyl-Coenzyme A Dehydrogenase Deficiency. Identifiers: Orphanet 26793, MedGen C3887523, MONDO:0008723, OMIM 201475.

Allele frequency attached by ClinVar (database versions not stated): ExAC 0.00005; gnomAD exomes 0.00006 and 0.00008; TOPMed 0.00006; gnomAD 0.00007 and 0.00009.
gnomAD v4.1: 98 of 1,613,976 alleles (0.0061%); highest among the groups gnomAD compares: African/African-American, 0.0053%; no homozygotes.

Submissions (8):

Blueprint Genetics
Classification: Uncertain significance. Last evaluated: 2024-08-29. Review status: criteria provided, single submitter. Criteria: ACMG Guidelines, 2015. Collection method: clinical testing. Allele origin: germline.

Revvity Omics, Revvity
Classification: Uncertain significance for Very long chain acyl-CoA dehydrogenase deficiency. Last evaluated: 2024-08-29. Review status: criteria provided, single submitter. Criteria: ACMG Guidelines, 2015. Collection method: clinical testing. Allele origin: germline.

Labcorp Genetics (formerly Invitae), Labcorp
Classification: Uncertain significance for Very long chain acyl-CoA dehydrogenase deficiency. Last evaluated: 2024-01-11. Review status: criteria provided, single submitter. Criteria: Invitae Variant Classification Sherloc (09022015). Collection method: clinical testing. Allele origin: germline.
Comment: This sequence change replaces methionine, which is neutral and non-polar, with isoleucine, which is neutral and non-polar, at codon 601 of the ACADVL protein (p.Met601Ile). This variant is present in population databases (rs201462718, gnomAD 0.05%). This variant has not been reported in the literature in individuals affected with ACADVL-related conditions. ClinVar contains an entry for this variant (Variation ID: 373437). Algorithms developed to predict the effect of missense changes on protein structure and function output the following: SIFT: "Not Available"; PolyPhen-2: "Benign"; Align-GVGD: "Not Available". The isoleucine amino acid residue is found in multiple mammalian species, which suggests that this missense change does not adversely affect protein function. In summary, the available evidence is currently insufficient to determine the role of this variant in disease. Therefore, it has been classified as a Variant of Uncertain Significance.

CeGaT Center for Human Genetics Tuebingen
Classification: Uncertain significance. Last evaluated: 2022-09-01. Review status: criteria provided, single submitter. Criteria: CeGaT Center For Human Genetics Tuebingen Variant Classification Criteria Version 2. Collection method: clinical testing. Allele origin: germline. Affected: yes. Observed: 2 variant alleles.
Comment: ACADVL: PM2, PP4

Wong Mito Lab, Molecular and Human Genetics, Baylor College of Medicine
Classification: Uncertain significance for Very long chain acyl-CoA dehydrogenase deficiency. Last evaluated: 2019-11-01. Review status: criteria provided, single submitter. Criteria: ACMG Guidelines, 2015. Collection method: clinical testing. Allele origin: germline.
Comment: The NM_000018.3:c.1803G>A (NP_000009.1:p.Met601Ile) [GRCH38: NC_000017.11:g.7224860G>A] variant in ACADVL gene is interpretated to be Uncertain Significance based on ACMG guidelines (PMID: 25741868). This variant has been reported. This variant meets the following evidence codes reported in the ACMG guidelines: PM1, PM3, PP4

Illumina Laboratory Services, Illumina
Classification: Uncertain significance for Very long chain acyl-CoA dehydrogenase deficiency. Last evaluated: 2017-04-27. Review status: criteria provided, single submitter. Criteria: ICSL Variant Classification Criteria 13 December 2019. Collection method: clinical testing. Allele origin: germline.

GeneDx
Classification: Uncertain significance. Last evaluated: 2016-11-18. Review status: criteria provided, single submitter. Criteria: GeneDx Variant Classification (06012015). Collection method: clinical testing. Allele origin: germline. Affected: yes.
Comment: The M601I variant in the ACADVL gene has not been reported previously as a pathogenic variant, nor as a benign variant, to our knowledge. The M601I variant was not observed in approximately 6500 individuals of European and African American ancestry in the NHLBI Exome Sequencing Project, indicating it is not a common benign variant in these populations. The M601I variant is a conservative amino acid substitution, which is not likely to impact secondary protein structure as these residues share similar properties. This substitution occurs at a position where amino acids with similar properties to Methionine are tolerated across species. In silico analysis is inconsistent in its predictions as to whether or not the variant is damaging to the protein structure/function. Missense variants in nearby residues (E599K, L602I) have been reported in the Human Gene Mutation Database in association with VLCAD deficiency (Stenson et al., 2014), supporting the functional importance of this region of the protein. We interpret M601I as a variant of uncertain significance,

Natera, Inc.
Classification: Uncertain significance for Very long chain acyl-CoA dehydrogenase deficiency. Last evaluated: 2020-09-16. Review status: no assertion criteria provided. Collection method: clinical testing. Allele origin: germline. Not counted in ClinVar's aggregate classification.